The following is an entry in ClinVar:

NC_000007.14:g.30959635_30967328delinsAGAGATCCA

Gene: GHRHR (growth hormone releasing hormone receptor; plus strand). Cytogenetic location: 7p14.3.
Variant type: Indel.
Genome position: GRCh38: chr7:30,959,635-30,967,328. GRCh37 (hg19): chr7:30,999,250-31,006,943.
Identifiers: ClinVar variation 56966 (VCV000056966.4), ClinGen allele CA144520.

ClinVar aggregate classification (germline): Pathogenic (0 of 4 stars; one submission).

Conditions:
Isolated growth hormone deficiency type IB (IGHD1B). Also called: IGHD IB; IGHD 1B. Identifiers: Orphanet 231671, Orphanet 631, MedGen C2748571, MONDO:0013006, OMIM 612781.

Submission:

Endocrinology Clinic, Seth G.S. Medical College
Classification: Pathogenic for Isolated growth hormone deficiency type 1B. Last evaluated: 2013-04-22. Review status: no assertion criteria provided. Collection method: case-control. Allele origin: inherited. Inheritance: Autosomal recessive inheritance. Affected: yes. Observed: 6 variant alleles, 3 heterozygotes, 1 compound heterozygote, 3 homozygotes.
ClinVar note: Converted during submission from pathogenic to Pathogenic.